The following is an entry in ClinVar:

NM_000016.6(ACADM):c.709-2A>C

Gene: ACADM (acyl-CoA dehydrogenase medium chain; plus strand). Cytogenetic location: 1p31.1.
Variant type: single nucleotide variant.
Coding change: c.709-2A>C on transcript NM_000016.6 (MANE Select); the canonical splice acceptor site of the intron before coding-DNA position 709, A replaced by C.
Molecular consequence: splice acceptor variant.
Genome position (GRCh38, 1-based): chr1:75,749,417, A>C. VCF-style: chr1-75749417-A-C. GRCh37 (hg19) VCF-style: chr1-76215102-A-C.
Other names: c.721-2A>C (NM_001127328.3); c.808-2A>C (NM_001286043.2); c.601-2A>C (NM_001286042.2); c.142-2A>C (NM_001286044.2).
Identifiers: ClinVar variation 552145 (VCV000552145.12), dbSNP rs1553125211, ClinGen allele CA340816495.

ClinVar aggregate classification (germline): Pathogenic. Review status: criteria provided, single submitter (1 of 4 stars). 2 submissions from 2 submitters: Pathogenic (1). 1 of the submissions does not count toward it. Last evaluated 2020-03-23.

Conditions:
Medium-chain acyl-coenzyme A dehydrogenase deficiency (ACADMD). Also called: CARNITINE DEFICIENCY SECONDARY TO MEDIUM-CHAIN ACYL-CoA DEHYDROGENASE DEFICIENCY; ACADM DEFICIENCY; MCAD Deficiency; MCADH DEFICIENCY; MCADD; Medium chain acyl-CoA dehydrogenase deficiency. Identifiers: Orphanet 42, MedGen C0220710, MONDO:0008721, OMIM 201450.

Submissions (2):

Labcorp Genetics (formerly Invitae), Labcorp
Classification: Pathogenic for Medium-chain acyl-coenzyme A dehydrogenase deficiency. Last evaluated: 2020-03-23. Review status: criteria provided, single submitter. Criteria: Invitae Variant Classification Sherloc (09022015). Collection method: clinical testing. Allele origin: germline.
Comment: This variant has been observed in individual(s) with medium-chain acyl-coenzyme A dehydrogenase deficiency (Invitae). In at least one individual the data is consistent with the variant being in trans (on the opposite chromosome) from a pathogenic variant. ClinVar contains an entry for this variant (Variation ID: 552145). This variant is not present in population databases (ExAC no frequency). This sequence change affects an acceptor splice site in intron 8 of the ACADM gene. It is expected to disrupt RNA splicing and likely results in an absent or disrupted protein product. Algorithms developed to predict the effect of sequence changes on RNA splicing suggest that this variant may disrupt the consensus splice site, but this prediction has not been confirmed by published transcriptional studies. For these reasons, this variant has been classified as Pathogenic. Donor and acceptor splice site variants typically lead to a loss of protein function (PMID: 16199547), and loss-of-function variants in ACADM are known to be pathogenic (PMID: 16121256, 20434380).

Counsyl
Classification: Likely pathogenic for Medium-chain acyl-coenzyme A dehydrogenase deficiency. Last evaluated: 2017-05-24. Review status: no assertion criteria provided. Collection method: clinical testing. Allele origin: unknown. Not counted in ClinVar's aggregate classification.

Literature cited by the submitters: PubMed 16199547 (cited by Labcorp Genetics (formerly Invitae), Labcorp); PubMed 16121256 (cited by Labcorp Genetics (formerly Invitae), Labcorp); PubMed 20434380 (cited by Labcorp Genetics (formerly Invitae), Labcorp).